The following is an entry in ClinVar:

NM_032638.5(GATA2):c.871+8C>T

Gene: GATA2 (GATA binding protein 2; minus strand). Cytogenetic location: 3q21.3.
Variant type: single nucleotide variant.
Coding change: c.871+8C>T on transcript NM_032638.5 (MANE Select); 8 bases into the intron after coding-DNA position 871, C replaced by T.
Molecular consequence: intron variant.
Genome position (GRCh38, 1-based): chr3:128,485,719, G>A on the plus strand (C>T on the coding strand, the complement: GATA2 is on the minus strand). VCF-style: chr3-128485719-G-A. GRCh37 (hg19) VCF-style: chr3-128204562-G-A.
Other names: c.871+8C>T (NM_001145662.1, NM_001145661.2).
Identifiers: ClinVar variation 863928 (VCV000863928.9), dbSNP rs2068685256, ClinGen allele CA916081441.

ClinVar aggregate classification (germline): Uncertain significance (1 of 4 stars; one submission).

Conditions:
Monocytopenia with susceptibility to infections. Also called: MONOCYTOPENIA AND MYCOBACTERIAL INFECTION SYNDROME; MONOCYTOPENIA WITH SUSCEPTIBILITY TO MYCOBACTERIAL, FUNGAL, AND PAPILLOMAVIRUS INFECTIONS AND MYELODYSPLASIA; COMBINED IMMUNODEFICIENCY WITH SUSCEPTIBILITY TO MYCOBACTERIAL, VIRAL, AND FUNGAL INFECTIONS; IMMUNODEFICIENCY 21; GATA2 DEFICIENCY; Dendritic cell, monocyte, B lymphocyte, and natural killer lymphocyte deficiency. Identifiers: Orphanet 228423, MedGen C3280030, MONDO:0013607, OMIM 614172.
Deafness-lymphedema-leukemia syndrome. Also called: Emberger syndrome; Lymphedema, primary, with myelodysplasia. Identifiers: Orphanet 3226, MedGen C3279664, MONDO:0013540, OMIM 614038.

Submission:

Labcorp Genetics (formerly Invitae), Labcorp
Classification: Uncertain significance for Monocytopenia with susceptibility to infections; Deafness-lymphedema-leukemia syndrome. Last evaluated: 2025-01-06. Review status: criteria provided, single submitter. Criteria: Invitae Variant Classification Sherloc (09022015). Collection method: clinical testing. Allele origin: germline.
Comment: This sequence change falls in intron 3 of the GATA2 gene. It does not directly change the encoded amino acid sequence of the GATA2 protein. This variant is not present in population databases (gnomAD no frequency). This variant has not been reported in the literature in individuals affected with GATA2-related conditions. ClinVar contains an entry for this variant (Variation ID: 863928). Algorithms developed to predict the effect of sequence changes on RNA splicing suggest that this variant may disrupt the consensus splice site. In summary, the available evidence is currently insufficient to determine the role of this variant in disease. Therefore, it has been classified as a Variant of Uncertain Significance.